The following is an entry in ClinVar:

NM_198407.2(GHSR):c.755C>T (p.Ser252Leu)

Gene: GHSR (growth hormone secretagogue receptor; minus strand). Cytogenetic location: 3q26.31.
Variant type: single nucleotide variant.
Coding change: c.755C>T on transcript NM_198407.2 (MANE Select); coding-DNA position 755, C replaced by T.
Protein change: p.Ser252Leu; replaces serine 252 with leucine.
Molecular consequence: missense variant.
Genome position (GRCh38, 1-based): chr3:172,447,659, G>A on the plus strand (C>T on the coding strand, the complement: GHSR is on the minus strand). VCF-style: chr3-172447659-G-A. GRCh37 (hg19) VCF-style: chr3-172165449-G-A.
Other names: c.755C>T, p.Ser252Leu (NM_004122.2); short protein forms S252L.
Identifiers: ClinVar variation 1349055 (VCV001349055.12), dbSNP rs200367696, ClinGen allele CA2706409.

ClinVar aggregate classification (germline): Uncertain significance. Review status: criteria provided, multiple submitters, no conflicts (2 of 4 stars). 3 submissions from 3 submitters: Uncertain significance (3). Last evaluated 2025-09-07.

Conditions:
Short stature due to growth hormone secretagogue receptor deficiency (GHDP). Also called: Short stature due to GHSR deficiency. Identifiers: Orphanet 314811, MedGen C5887324, MONDO:0014403, OMIM 615925.

Allele frequency attached by ClinVar (database versions not stated): ESP Exome Variant Server 0.00008; TOPMed 0.00012; gnomAD exomes 0.00013 and 0.00025; gnomAD 0.00015 and 0.00016; ExAC 0.00016.
gnomAD v4.1: 378 of 1,613,932 alleles (0.023%); highest among the groups gnomAD compares: Non-Finnish European, 0.031%; 1 homozygote.

Submissions (3):

Labcorp Genetics (formerly Invitae), Labcorp
Classification: Uncertain significance. Last evaluated: 2025-09-07. Review status: criteria provided, single submitter. Criteria: Invitae Variant Classification Sherloc (09022015). Collection method: clinical testing. Allele origin: germline.
Comment: This sequence change replaces serine, which is neutral and polar, with leucine, which is neutral and non-polar, at codon 252 of the GHSR protein (p.Ser252Leu). This variant is present in population databases (rs200367696, gnomAD 0.03%). This variant has not been reported in the literature in individuals affected with GHSR-related conditions. ClinVar contains an entry for this variant (Variation ID: 1349055). Invitae Evidence Modeling of protein sequence and biophysical properties (such as structural, functional, and spatial information, amino acid conservation, physicochemical variation, residue mobility, and thermodynamic stability) indicates that this missense variant is not expected to disrupt GHSR protein function with a negative predictive value of 80%. In summary, the available evidence is currently insufficient to determine the role of this variant in disease. Therefore, it has been classified as a Variant of Uncertain Significance.

Women's Health and Genetics/Laboratory Corporation of America, LabCorp
Classification: Uncertain significance. Last evaluated: 2025-04-01. Review status: criteria provided, single submitter. Criteria: LabCorp Variant Classification Summary - May 2015. Collection method: clinical testing. Allele origin: germline.
Comment: Variant summary: GHSR c.755C>T (p.Ser252Leu) results in a non-conservative amino acid change in the encoded protein sequence. Three of five in-silico tools predict a benign effect of the variant on protein function. The variant allele was found at a frequency of 0.00013 in 251418 control chromosomes. This frequency is not significantly higher than estimated for a pathogenic variant in GHSR causing Short Stature Due To Growth Hormone Secretagogue Receptor Deficiency, allowing no conclusion about variant significance. To our knowledge, no occurrence of c.755C>T in individuals affected with Short Stature Due To Growth Hormone Secretagogue Receptor Deficiency and no experimental evidence demonstrating its impact on protein function have been reported. ClinVar contains an entry for this variant (Variation ID: 1349055). Based on the evidence outlined above, the variant was classified as uncertain significance.

Revvity Omics, Revvity
Classification: Uncertain significance for Short stature due to growth hormone secretagogue receptor deficiency. Last evaluated: 2021-09-19. Review status: criteria provided, single submitter. Criteria: ACMG Guidelines, 2015. Collection method: clinical testing. Allele origin: germline.